The following is an entry in ClinVar:

NM_001283009.2(RTEL1):c.2822A>G (p.Glu941Gly)

Genes: RTEL1-TNFRSF6B (RTEL1-TNFRSF6B readthrough (NMD candidate); plus strand), RTEL1 (regulator of telomere elongation helicase 1; plus strand). Cytogenetic location: 20q13.33.
Variant type: single nucleotide variant.
Coding change: c.2822A>G on transcript NM_001283009.2 (MANE Select); coding-DNA position 2822, A replaced by G.
Protein change: p.Glu941Gly; replaces glutamic acid 941 with glycine.
Molecular consequence: missense variant. On other transcripts: non-coding transcript variant (1).
Genome position (GRCh38, 1-based): chr20:63,692,974, A>G. VCF-style: chr20-63692974-A-G. GRCh37 (hg19) VCF-style: chr20-62324327-A-G.
Other names: c.2153A>G, p.Glu718Gly (NM_001283010.1); c.2822A>G, p.Glu941Gly (NM_016434.4); c.2894A>G, p.Glu965Gly (NM_032957.5); short protein forms E718G, E965G, E941G.
Identifiers: ClinVar variation 3436017 (VCV003436017.1).

ClinVar aggregate classification (germline): Uncertain significance (1 of 4 stars; one submission).

Conditions:
Inborn genetic diseases. Identifiers: MedGen C0950123, MeSH D030342.

gnomAD v4.1: 19 of 1,612,490 alleles (0.0012%); highest among the groups gnomAD compares: Non-Finnish European, 0.0014%; no homozygotes.

Submission:

Ambry Genetics
Classification: Uncertain significance for Inborn genetic diseases. Last evaluated: 2024-12-02. Review status: criteria provided, single submitter. Criteria: Ambry Variant Classification Scheme 2023. Collection method: clinical testing. Allele origin: germline.
Comment: The p.E941G variant (also known as c.2822A>G), located in coding exon 28 of the RTEL1 gene, results from an A to G substitution at nucleotide position 2822. The glutamic acid at codon 941 is replaced by glycine, an amino acid with similar properties. This amino acid position is conserved. In addition, this alteration is predicted to be tolerated by in silico analysis. Based on the available evidence, the clinical significance of this variant remains unclear.